The following is an entry in ClinVar:

ClinVar aggregate classification (germline): Uncertain significance. Review status: criteria provided, multiple submitters, no conflicts (2 of 4 stars). 3 submissions from 3 submitters: Uncertain significance (3). Last evaluated 2025-05-07.

Conditions:
Lynch syndrome. Identifiers: Orphanet 144, MedGen C4552100, MONDO:0005835. Disease mechanism: loss of function.
Hereditary nonpolyposis colorectal neoplasms. Identifiers: MedGen C0009405, MeSH D003123.

Submissions (3):

Labcorp Genetics (formerly Invitae), Labcorp
Classification: Uncertain significance for Hereditary nonpolyposis colorectal neoplasms. Last evaluated: 2025-05-07. Review status: criteria provided, single submitter. Criteria: Invitae Variant Classification Sherloc (09022015). Collection method: clinical testing. Allele origin: germline.
Comment: This sequence change replaces serine, which is neutral and polar, with threonine, which is neutral and polar, at codon 950 of the MSH6 protein (p.Ser950Thr). This variant is not present in population databases (gnomAD no frequency). This variant has not been reported in the literature in individuals affected with MSH6-related conditions. ClinVar contains an entry for this variant (Variation ID: 2575374). Invitae Evidence Modeling of protein sequence and biophysical properties (such as structural, functional, and spatial information, amino acid conservation, physicochemical variation, residue mobility, and thermodynamic stability) indicates that this missense variant is not expected to disrupt MSH6 protein function with a negative predictive value of 95%. In summary, the available evidence is currently insufficient to determine the role of this variant in disease. Therefore, it has been classified as a Variant of Uncertain Significance.

Department of Clinical Genetics, Copenhagen University Hospital, Rigshospitalet
Classification: Uncertain significance for Lynch syndrome. Last evaluated: 2025-03-26. Review status: criteria provided, single submitter. Criteria: ACMG Guidelines, 2015. Collection method: clinical testing. Allele origin: germline.
Comment: The following ACMG criteria has been used: PM2_SUP, BP4

Center for Genomic Medicine, Rigshospitalet, Copenhagen University Hospital
Classification: Uncertain significance. Last evaluated: 2025-03-04. Review status: criteria provided, single submitter. Criteria: ACMG Guidelines, 2015. Collection method: clinical testing. Allele origin: germline.

NM_000179.3(MSH6):c.2849G>C (p.Ser950Thr)

Gene: MSH6 (mutS homolog 6; plus strand). Cytogenetic location: 2p16.3.
Variant type: single nucleotide variant.
Coding change: c.2849G>C on transcript NM_000179.3 (MANE Select); coding-DNA position 2849, G replaced by C.
Protein change: p.Ser950Thr; replaces serine 950 with threonine.
Molecular consequence: missense variant. On other transcripts: non-coding transcript variant (5), intron variant (2).
Genome position (GRCh38, 1-based): chr2:47,800,832, G>C. VCF-style: chr2-47800832-G-C. GRCh37 (hg19) VCF-style: chr2-48027971-G-C.
Other names: c.2849G>C, p.Ser950Thr (NM_001406808.1, NM_001406809.1, NM_001406796.1 and 2 more transcripts); c.1943G>C, p.Ser648Thr (NM_001406811.1, NM_001406812.1, NM_001406814.1 and 6 more transcripts); c.2855G>C, p.Ser952Thr (NM_001406813.1); c.2552G>C, p.Ser851Thr (NM_001406818.1, NM_001406797.1, NM_001406801.1 and 10 more transcripts); c.2459G>C, p.Ser820Thr (NM_001281492.2); c.2945G>C, p.Ser982Thr (NM_001406795.1, NM_001406802.1); c.2324G>C, p.Ser775Thr (NM_001406799.1, NM_001406806.1, NM_001406807.1); c.2771G>C, p.Ser924Thr (NM_001406804.1); and 4 more; short protein forms S265T, S648T, S775T, S820T, S851T, S894T, S924T, S950T.
Identifiers: ClinVar variation 2575374 (VCV002575374.4), dbSNP rs1669517990, ClinGen allele CA346755857.